The following is an entry in ClinVar:

GRCh38/hg38 14q23.1(chr14:58146022-61273619)x1

Genes: ACTR10 (actin related protein 10; plus strand), ARID4A (AT-rich interaction domain 4A; plus strand), ARMH4 (armadillo like helical domain containing 4; minus strand), C14orf39 (chromosome 14 open reading frame 39; minus strand), CCDC175 (coiled-coil domain containing 175; minus strand) and 110 more. Cytogenetic location: 14q23.1.
Variant type: copy number loss.
Change: copy number 1 (one copy instead of two) of chr14:58,146,022-61,273,619 (3.13 Mb, GRCh38 coordinates, 1-based), cytogenetic band 14q23.1.
Identifiers: ClinVar variation 57782 (VCV000057782.1).

ClinVar aggregate classification (germline): Pathogenic (1 of 4 stars; one submission).

Submission:

ISCA site 17
Classification: Pathogenic. Last evaluated: 2011-08-12. Review status: criteria provided, single submitter. Criteria: Kaminsky et al. (Genet Med. 2011). Collection method: clinical testing. Allele origin: unknown. Affected: yes. Observed: 1 variant allele.
Comment: Copy number variation identified through the course of routine clinical cytogenomic testing in postnatal populations. Clinical assertions have been curated as described in Kaminsky et al. 2011.